The following is an entry in ClinVar:

ClinVar aggregate classification (germline): Likely benign. Review status: criteria provided, multiple submitters, no conflicts (2 of 4 stars). 2 submissions from 2 submitters: Likely benign (2). Last evaluated 2024-01-01.

Conditions:
Cardiomyopathy (CMYO). Also called: Cardiomyopathies. Identifiers: Orphanet 167848, MedGen C0878544, MONDO:0004994, HP:0001638. Inheritance: Various modes of inheritance.

Submissions (2):

CeGaT Center for Human Genetics Tuebingen
Classification: Likely benign. Last evaluated: 2024-01-01. Review status: criteria provided, single submitter. Criteria: CeGaT Center For Human Genetics Tuebingen Variant Classification Criteria Version 2. Collection method: clinical testing. Allele origin: germline. Affected: yes. Observed: 1 variant allele.
Comment: MYH7: PM2:Supporting, BP4, BP7

Color Diagnostics, LLC DBA Color Health
Classification: Likely benign for Cardiomyopathy. Last evaluated: 2019-12-09. Review status: criteria provided, single submitter. Criteria: ACMG Guidelines, 2015. Collection method: clinical testing. Allele origin: germline.

NM_000257.4(MYH7):c.1632C>A (p.Thr544=)

Gene: MYH7 (myosin heavy chain 7; minus strand). Cytogenetic location: 14q11.2.
Variant type: single nucleotide variant.
Coding change: c.1632C>A on transcript NM_000257.4 (MANE Select); coding-DNA position 1632, C replaced by A.
Protein change: p.Thr544=; no amino-acid change (threonine 544 retained).
Molecular consequence: synonymous variant.
Genome position (GRCh38, 1-based): chr14:23,427,841, G>T on the plus strand (C>A on the coding strand, the complement: MYH7 is on the minus strand). VCF-style: chr14-23427841-G-T. GRCh37 (hg19) VCF-style: chr14-23897050-G-T.
Identifiers: ClinVar variation 926314 (VCV000926314.24), dbSNP rs587781089, ClinGen allele CA485624178.